The following is an entry in ClinVar:

NM_003476.5(CSRP3):c.282-175G>T

Gene: CSRP3 (cysteine and glycine rich protein 3; minus strand). Cytogenetic location: 11p15.1.
Variant type: single nucleotide variant.
Coding change: c.282-175G>T on transcript NM_003476.5 (MANE Select); 175 bases into the intron before coding-DNA position 282, G replaced by T.
Molecular consequence: intron variant.
Genome position (GRCh38, 1-based): chr11:19,186,523, C>A on the plus strand (G>T on the coding strand, the complement: CSRP3 is on the minus strand). VCF-style: chr11-19186523-C-A. GRCh37 (hg19) VCF-style: chr11-19208070-C-A.
Other names: c.113-175G>T (NM_001369404.1).
Identifiers: ClinVar variation 672012 (VCV000672012.1), dbSNP rs1077688, ClinGen allele CA13375691.

ClinVar aggregate classification (germline): Benign (1 of 4 stars; one submission).

Allele frequency attached by ClinVar (database versions not stated): 1000 Genomes Project 30x 0.32230; 1000 Genomes Project 0.32827; TOPMed 0.32971; gnomAD 0.34081 and 0.34802.
gnomAD v4.1: 52,976 of 152,068 alleles (35%); highest among the groups gnomAD compares: East Asian, 50%; 11,236 homozygotes.

Submission:

GeneDx
Classification: Benign. Last evaluated: 2018-06-14. Review status: criteria provided, single submitter. Criteria: GeneDx Variant Classification (06012015). Collection method: clinical testing. Allele origin: germline. Affected: yes.
Comment: This variant is considered likely benign or benign based on one or more of the following criteria: it is a conservative change, it occurs at a poorly conserved position in the protein, it is predicted to be benign by multiple in silico algorithms, and/or has population frequency not consistent with disease.